The following is an entry in ClinVar:

NM_000303.3(PMM2):c.255G>A (p.Gln85=)

Gene: PMM2 (phosphomannomutase 2; plus strand). Cytogenetic location: 16p13.2.
Variant type: single nucleotide variant.
Coding change: c.255G>A on transcript NM_000303.3 (MANE Select); coding-DNA position 255, G replaced by A.
Protein change: p.Gln85=; no amino-acid change (glutamine 85 retained).
Molecular consequence: synonymous variant.
Genome position (GRCh38, 1-based): chr16:8,804,843, G>A. VCF-style: chr16-8804843-G-A. GRCh37 (hg19) VCF-style: chr16-8898700-G-A.
Identifiers: ClinVar variation 986866 (VCV000986866.10), dbSNP rs115344041, ClinGen allele CA7893966.

ClinVar aggregate classification (germline): Conflicting classifications of pathogenicity. Review status: criteria provided, conflicting classifications (1 of 4 stars). 5 submissions from 5 submitters: Pathogenic (1); Likely pathogenic (3); Uncertain significance (1). Last evaluated 2025-02-03.

Conditions:
PMM2-congenital disorder of glycosylation. Also called: CARBOHYDRATE-DEFICIENT GLYCOPROTEIN SYNDROME, TYPE Ia; PHOSPHOMANNOMUTASE 2 DEFICIENCY; CDG Ia; JAEKEN SYNDROME; Congenital disorder of glycosylation, type Ia; PMM2-CDG. Identifiers: Orphanet 79318, MedGen C0349653, MONDO:0008907, OMIM 212065.

Allele frequency attached by ClinVar (database versions not stated): ESP Exome Variant Server 0.00008; 1000 Genomes Project 30x 0.00016; 1000 Genomes Project 0.00020; TOPMed below 0.00001; ExAC 0.00001; gnomAD 0.00001; gnomAD exomes 0.00001.
gnomAD v4.1: 9 of 1,596,046 alleles (0.00056%); highest among the groups gnomAD compares: East Asian, 0.0022%; no homozygotes.

Submissions (5):

GeneDx
Classification: Pathogenic. Last evaluated: 2025-02-03. Review status: criteria provided, single submitter. Criteria: GeneDx Variant Classification Process June 2021. Collection method: clinical testing. Allele origin: germline. Affected: yes.
Comment: Not observed at significant frequency in large population cohorts (gnomAD); In silico analysis supports a deleterious effect on splicing; Exon-1 splice site variant in a gene for which loss-of-function is a known mechanism of disease, and studies on patient fibroblasts demonstrated skipping of exon 3 and evolutionary conservation supports a deleterious effect (PMID: 15844218); This variant is associated with the following publications: (PMID: 34277356, 15844218)

Labcorp Genetics (formerly Invitae), Labcorp
Classification: Uncertain significance for PMM2-congenital disorder of glycosylation. Last evaluated: 2024-10-07. Review status: criteria provided, single submitter. Criteria: Invitae Variant Classification Sherloc (09022015). Collection method: clinical testing. Allele origin: germline.
Comment: This sequence change affects codon 85 of the PMM2 mRNA. It is a 'silent' change, meaning that it does not change the encoded amino acid sequence of the PMM2 protein. This variant also falls at the last nucleotide of exon 3, which is part of the consensus splice site for this exon. This variant is present in population databases (rs115344041, gnomAD 0.0009%). This variant has been observed in individual(s) with congenital disorder of glycosylation type Ia (PMID: 15844218). ClinVar contains an entry for this variant (Variation ID: 986866). Variants that disrupt the consensus splice site are a relatively common cause of aberrant splicing (PMID: 17576681, 9536098). Algorithms developed to predict the effect of sequence changes on RNA splicing suggest that this variant may disrupt the consensus splice site. In summary, the available evidence is currently insufficient to determine the role of this variant in disease. Therefore, it has been classified as a Variant of Uncertain Significance.

Natera, Inc.
Classification: Likely pathogenic for Congenital disorder of glycosylation type 1a. Last evaluated: 2024-05-08. Review status: criteria provided, single submitter. Criteria: Natera Variant Classification Schema (03/2026). Collection method: clinical testing. Allele origin: germline.
Comment: The c.255G>A variant in PMM2 is a synonymous variant that does not alter the encoded amino acid at position 85 (p.Q85=). This variant is rare in the general population with a frequency below the threshold expected for the associated phenotype(s). This variant has been observed in one or more individuals affected with the associated recessive disease, as either homozygous or compound heterozygous with a second variant (PMID: 15844218). Functional studies show that this variant may disrupt protein function (PMID: 15844218). Computational prediction algorithms indicate this variant is likely to affect gene or protein function. Given the available evidence, this variant is classified as Likely Pathogenic.

Women's Health and Genetics/Laboratory Corporation of America, LabCorp
Classification: Likely pathogenic for PMM2-congenital disorder of glycosylation. Last evaluated: 2021-04-28. Review status: criteria provided, single submitter. Criteria: LabCorp Variant Classification Summary - May 2015. Collection method: clinical testing. Allele origin: germline.
Comment: Variant summary: PMM2 c.255G>A (p.Gln85Gln) alters a conserved nucleotide located close to a canonical splice site and therefore could affect mRNA splicing, leading to a significantly altered protein sequence. Several computational tools predict a significant impact on normal splicing: Three predict the variant weakens a 5' donor site. One predicts the variant abolishes a 5' splicing donor site. At least one publication reports experimental evidence that this variant affects mRNA splicing and results in exon 3 skipping (LeBizec_2005). The variant allele was found at a frequency of 8e-06 in 251450 control chromosomes (gnomAD and publication data). c.255G>A has been reported in the literature in one individual affected with Congenital Disorder Of Glycosylation Type 1a (LeBizec_2005). These data do not allow any conclusion about variant significance. One ClinVar submitter (evaluation after 2014) cites the variant as likely pathogenic. Based on the evidence outlined above, the variant was classified as likely pathogenic.

Institute of Medical Genetics and Applied Genomics, University Hospital Tübingen
Classification: Likely pathogenic. Last evaluated: 2020-10-23. Review status: criteria provided, single submitter. Criteria: ACMG Guidelines, 2015. Collection method: clinical testing. Allele origin: germline. Inheritance: Unknown mechanism. Affected: yes.

Literature cited by the submitters: PubMed 15844218 (cited by 3 submitters); PubMed 17576681 (cited by Labcorp Genetics (formerly Invitae), Labcorp); PubMed 9536098 (cited by Labcorp Genetics (formerly Invitae), Labcorp).